The following is an entry in ClinVar:

ClinVar aggregate classification (germline): Uncertain significance (1 of 4 stars; one submission).

Conditions:
Hereditary cancer-predisposing syndrome. Also called: Hereditary neoplastic syndrome; Neoplastic Syndromes, Hereditary; Tumor predisposition; Hereditary Cancer Syndrome. Identifiers: Orphanet 140162, MedGen C0027672, MeSH D009386, MONDO:0015356.

Submission:

Ambry Genetics
Classification: Uncertain significance for Hereditary cancer-predisposing syndrome. Last evaluated: 2025-08-27. Review status: criteria provided, single submitter. Criteria: Ambry Variant Classification Scheme 2023. Collection method: clinical testing. Allele origin: germline.
Comment: The p.Q210L variant (also known as c.629A>T), located in coding exon 8 of the MUTYH gene, results from an A to T substitution at nucleotide position 629. The glutamine at codon 210 is replaced by leucine, an amino acid with dissimilar properties. This amino acid position is conserved. In addition, this alteration is predicted to be tolerated by in silico analysis. Based on the available evidence, the clinical significance of this variant remains unclear.

NM_001048174.2(MUTYH):c.545A>T (p.Gln182Leu)

Gene: MUTYH (mutY DNA glycosylase; minus strand). Cytogenetic location: 1p34.1.
Variant type: single nucleotide variant.
Coding change: c.545A>T on transcript NM_001048174.2 (MANE Select); coding-DNA position 545, A replaced by T.
Protein change: p.Gln182Leu; replaces glutamine 182 with leucine.
Molecular consequence: missense variant. On other transcripts: non-coding transcript variant (7).
Genome position (GRCh38, 1-based): chr1:45,332,635, T>A on the plus strand (A>T on the coding strand, the complement: MUTYH is on the minus strand). VCF-style: chr1-45332635-T-A. GRCh37 (hg19) VCF-style: chr1-45798307-T-A.
Other names: c.629A>T, p.Gln210Leu (NM_001128425.2); c.590A>T, p.Gln197Leu (NM_001293190.2); c.578A>T, p.Gln193Leu (NM_001293191.2, NM_001407069.1, NM_001407077.1); c.269A>T, p.Gln90Leu (NM_001293192.2, NM_001293196.2, NM_001407091.1); c.545A>T, p.Gln182Leu (NM_001293195.2, NM_001407081.1, NM_001407088.1 and 6 more transcripts); c.200A>T, p.Gln67Leu (NM_001350650.2, NM_001350651.2, NM_001407082.1); c.587A>T, p.Gln196Leu (NM_001407083.1, NM_001407085.1); c.548A>T, p.Gln183Leu (NM_001407086.1, NM_001048172.2, NM_001407071.1 and 1 more transcripts); and 5 more; short protein forms Q154L, Q168L, Q182L, Q183L, Q189L, Q207L, Q210L, Q67L.
Identifiers: ClinVar variation 4113776 (VCV004113776.1).